The following is an entry in ClinVar:

ClinVar aggregate classification (germline): Pathogenic/Likely pathogenic. Review status: criteria provided, multiple submitters, no conflicts (2 of 4 stars). 3 submissions from 3 submitters: Pathogenic (1); Likely pathogenic (2). Last evaluated 2024-08-18.

Conditions:
EYS-related disorder. Also called: EYS-related condition.
Retinitis pigmentosa 25 (RP25). Identifiers: Orphanet 791, MedGen C1864446, MONDO:0011272, OMIM 602772.

Submissions (3):

Myriad Genetics, Inc.
Classification: Pathogenic for Retinitis pigmentosa 25. Last evaluated: 2024-08-18. Review status: criteria provided, single submitter. Criteria: Myriad Autosomal Dominant, Autosomal Recessive and X-Linked Classification Criteria (2023). Collection method: clinical testing. Allele origin: unknown.
Comment: NM_001142800.1(EYS):c.1436_1437delAT(Y479Cfs*10) is expected to be pathogenic in the context of retinitis pigmentosa, EYS-related. This variant is predicted to lead to an abnormal or absent protein product due to the creation of a premature termination codon in EYS, a gene where loss-of-function variants are known to be pathogenic. Please note: this variant was assessed in the context of healthy population screening.

Blueprint Genetics
Classification: Likely pathogenic for EYS-related disorders. Last evaluated: 2023-09-29. Review status: criteria provided, single submitter. Criteria: ACMG Guidelines, 2015. Collection method: clinical testing. Allele origin: germline. Affected: yes. Observed: 1 variant allele.

Baylor Genetics
Classification: Likely pathogenic for Retinitis pigmentosa 25. Last evaluated: 2023-07-05. Review status: criteria provided, single submitter. Criteria: ACMG Guidelines, 2015. Collection method: clinical testing. Allele origin: unknown.

NM_001142800.2(EYS):c.1436_1437del (p.Tyr479fs)

Gene: EYS (EGF-like photoreceptor maintenance factor; minus strand). Cytogenetic location: 6q12.
Variant type: Microsatellite.
Coding change: c.1436_1437del on transcript NM_001142800.2 (MANE Select); coding-DNA positions 1436 to 1437, 2 bases deleted (AT; older notation c.1436_1437delAT).
Protein change: p.Tyr479fs; shifts the reading frame from tyrosine 479.
Molecular consequence: frameshift variant.
Genome position (GRCh38, 1-based): chr6:65,353,480-65,353,481, AT deleted on the plus strand (AT on the coding strand, the reverse complement: EYS is on the minus strand); deleting any 2 consecutive bases within chr6:65,353,480-65,353,483 gives the same sequence; the c. name uses the placement nearest the transcript's 3' end. VCF-style (leftmost placement, unchanged base first): chr6-65353479-CAT-C. GRCh37 (hg19) VCF-style: chr6-66063372-CAT-C.
Other names: c.1436_1437del, p.Tyr479fs (NM_001142801.2, NM_001292009.2, NM_198283.2); short protein forms Y479fs.
Identifiers: ClinVar variation 2675269 (VCV002675269.3), dbSNP rs2533202552, ClinGen allele CA2695198266.